The following is an entry in ClinVar:

ClinVar aggregate classification (germline): Uncertain significance (1 of 4 stars; one submission).

gnomAD v4.1: 1 of 1,613,688 alleles (0.000062%); highest among the groups gnomAD compares: Non-Finnish European, 0.000085%; no homozygotes.

Submission:

Labcorp Genetics (formerly Invitae), Labcorp
Classification: Uncertain significance. Last evaluated: 2024-04-17. Review status: criteria provided, single submitter. Criteria: Invitae Variant Classification Sherloc (09022015). Collection method: clinical testing. Allele origin: germline.
Comment: This sequence change falls in intron 6 of the GANAB gene. It does not directly change the encoded amino acid sequence of the GANAB protein. This variant is not present in population databases (gnomAD no frequency). This variant has not been reported in the literature in individuals affected with GANAB-related conditions. Algorithms developed to predict the effect of sequence changes on RNA splicing suggest that this variant may disrupt the consensus splice site. In summary, the available evidence is currently insufficient to determine the role of this variant in disease. Therefore, it has been classified as a Variant of Uncertain Significance.

NM_198334.3(GANAB):c.561-8C>A

Gene: GANAB (glucosidase II alpha subunit; minus strand). Cytogenetic location: 11q12.3.
Variant type: single nucleotide variant.
Coding change: c.561-8C>A on transcript NM_198334.3 (MANE Select); 8 bases into the intron before coding-DNA position 561, C replaced by A.
Molecular consequence: intron variant. On other transcripts: 5 prime UTR variant (2).
Genome position (GRCh38, 1-based): chr11:62,633,522, G>T on the plus strand (C>A on the coding strand, the complement: GANAB is on the minus strand). VCF-style: chr11-62633522-G-T. GRCh37 (hg19) VCF-style: chr11-62400994-G-T.
Other names: c.-171C>A (NM_001329224.2, NM_001329225.2); c.219-8C>A (NM_001278193.2); c.285-8C>A (NM_001278192.2); c.270-8C>A (NM_001329223.2, NM_001278194.2, NM_001329222.2); c.627-8C>A (NM_198335.4).
Identifiers: ClinVar variation 3677904 (VCV003677904.2).